The following is an entry in ClinVar:

NM_020964.3(EPG5):c.1057A>G (p.Arg353Gly)

Gene: EPG5 (ectopic P-granules 5 autophagy tethering factor; minus strand). Cytogenetic location: 18q21.1.
Variant type: single nucleotide variant.
Coding change: c.1057A>G on transcript NM_020964.3 (MANE Select); coding-DNA position 1057, A replaced by G.
Protein change: p.Arg353Gly; replaces arginine 353 with glycine.
Molecular consequence: missense variant.
Genome position (GRCh38, 1-based): chr18:45,952,595, T>C on the plus strand (A>G on the coding strand, the complement: EPG5 is on the minus strand). VCF-style: chr18-45952595-T-C. GRCh37 (hg19) VCF-style: chr18-43532561-T-C.
Other names: c.1057A>G, p.Arg353Gly (NM_001410858.1, NM_001410859.1); short protein forms R353G.
Identifiers: ClinVar variation 1974995 (VCV001974995.5), dbSNP rs2512105631, ClinGen allele CA402350359.

ClinVar aggregate classification (germline): Uncertain significance (1 of 4 stars; one submission).

Conditions:
Vici syndrome (VICIS). Identifiers: Orphanet 1493, MedGen C1855772, MONDO:0009452, OMIM 242840.

Submission:

Labcorp Genetics (formerly Invitae), Labcorp
Classification: Uncertain significance for Vici syndrome. Last evaluated: 2022-09-01. Review status: criteria provided, single submitter. Criteria: Invitae Variant Classification Sherloc (09022015). Collection method: clinical testing. Allele origin: germline.
Comment: In summary, the available evidence is currently insufficient to determine the role of this variant in disease. Therefore, it has been classified as a Variant of Uncertain Significance. Algorithms developed to predict the effect of sequence changes on RNA splicing suggest that this variant may create or strengthen a splice site. Algorithms developed to predict the effect of missense changes on protein structure and function are either unavailable or do not agree on the potential impact of this missense change (SIFT: "Tolerated"; PolyPhen-2: "Probably Damaging"; Align-GVGD: "Class C0"). This variant has not been reported in the literature in individuals affected with EPG5-related conditions. This variant is not present in population databases (gnomAD no frequency). This sequence change replaces arginine, which is basic and polar, with glycine, which is neutral and non-polar, at codon 353 of the EPG5 protein (p.Arg353Gly).